The following is an entry in ClinVar:

NM_016038.4(SBDS):c.652C>T (p.Arg218Ter)

Gene: SBDS (SBDS ribosome maturation factor; minus strand). Cytogenetic location: 7q11.21.
Variant type: single nucleotide variant.
Coding change: c.652C>T on transcript NM_016038.4 (MANE Select); coding-DNA position 652, C replaced by T.
Protein change: p.Arg218Ter; replaces arginine 218 with a stop codon.
Molecular consequence: nonsense.
Genome position (GRCh38, 1-based): chr7:66,988,472, G>A on the plus strand (C>T on the coding strand, the complement: SBDS is on the minus strand). VCF-style: chr7-66988472-G-A. GRCh37 (hg19) VCF-style: chr7-66453459-G-A.
Other names: NM_016038.4(SBDS):c.652C>T; p.Arg218Ter; c.652C>T, p.Arg218Ter (LRG_104t1); c.652C>T (NM_016038.3); short protein forms R218*.
Identifiers: ClinVar variation 21545 (VCV000021545.8), dbSNP rs113993998, ClinGen allele CA342207.
Genomic context (GRCh38, chr7:66,988,472, plus strand): 5'-TGAGTACTTCCAAAGAACCTTTGCCTTTAGTTTCCTTTTTTATTAGCTCATCAATTTCTC[G>A]GAAGCAGCCCGGGTCAATCAGACATACCTGAAACATTTAACGTAGCAGATTACCACATGA-3'

ClinVar aggregate classification (germline): Pathogenic/Likely pathogenic. Review status: criteria provided, multiple submitters, no conflicts (2 of 4 stars). 5 submissions from 5 submitters: Pathogenic (1); Likely pathogenic (3). 1 of the submissions does not count toward it. Last evaluated 2025-02-06.

Conditions:
Aplastic anemia. Identifiers: Orphanet 182040, Orphanet 88, MedGen C0002874, MONDO:0015909, OMIM 609135, HP:0001915.
Shwachman-Diamond syndrome 1 (SDS1). Also called: LIPOMATOSIS OF PANCREAS, CONGENITAL. Identifiers: MedGen C4692625, MONDO:0044204, OMIM 260400.

Allele frequency attached by ClinVar (database versions not stated): gnomAD exomes 0.00001 and below 0.00001; ExAC 0.00001.

Submissions (5):

Broad Center for Mendelian Genomics, Broad Institute of MIT and Harvard
Classification: Likely pathogenic for Shwachman-Diamond syndrome 1. Last evaluated: 2025-02-06. Review status: criteria provided, single submitter. Criteria: ACMG Guidelines, 2015. Collection method: curation. Allele origin: germline. Inheritance: Autosomal recessive inheritance.
Comment: The p.Arg218Ter variant in SBDS has been reported in two individuals with Shwachman-Diamond syndrome (PMID: 15284109, PMID: 15776428), and has been identified in 0.001% (1/74986) of African/African American chromosomes by the Genome Aggregation Database (gnomAD; dbSNP rs113993998). Although this variant has been seen in the general population in a heterozygous state, its frequency is low enough to be consistent with a recessive carrier frequency. The presence of a known pseudogene, SBDSP1, can impact the reliability of allele frequencies. This variant has also been reported in ClinVar (Variation ID: 21545) and has been interpreted as likely pathogenic/pathogenic by GeneDx, KCCC/NGS Laboratory (Kuwait Cancer Control Center) and Baylor Genetics. Both of the affected individuals were compound heterozygotes that carried a reported pathogenic variant, one of which in trans, which increases the likelihood that the p.Arg218Ter variant is pathogenic (ClinVar Variation ID: 3196; PMID: 15284109, PMID: 15776428). This nonsense variant leads to a premature termination codon at position 218. This alteration occurs within the last exon, and is more likely to escape nonsense mediated decay (NMD) and result in a truncated protein. Loss of function of the SBDS gene is an established disease mechanism in autosomal recessive Shwachman-Diamond syndrome. In summary, although additional studies are required to fully establish its clinical significance, this variant is likely pathogenic for autosomal recessive Shwachman-Diamond syndrome. ACMG/AMP Criteria applied: PVS1_strong, PM3, PM2_supporting (Richards 2015).

KCCC/NGS Laboratory, Kuwait Cancer Control Center
Classification: Likely pathogenic for Aplastic anemia. Last evaluated: 2023-07-07. Review status: criteria provided, single submitter. Criteria: ACMG Guidelines, 2015. Collection method: clinical testing. Allele origin: unknown. Affected: yes.
Comment: This sequence change replaces arginine with a termination signal at codon 218 of the SBDS protein (p.Arg218Ter). Null variant (nonsense), in gene SBDS, for which loss-of-function is a known mechanism of disease (associated with Shwachman-Diamond syndrome 1 and Aplastic anemia. ClinVar classifies this variant as Pathogenic, rated 0 stars, no assertion criteria provided, with 1 submission, 1 publication (15284109). In-silico prediction models show pathogenic computational verdict based on 4 pathogenic predictions from BayesDel_addAF, DANN, FATHMM-MKL and MutationTaster vs 1 benign prediction from EIGEN. Therefore, this variant is classified as likely pathogenic.

Baylor Genetics
Classification: Pathogenic for Aplastic anemia. Last evaluated: 2022-09-24. Review status: criteria provided, single submitter. Criteria: ACMG Guidelines, 2015. Collection method: clinical testing. Allele origin: unknown.

GeneDx
Classification: Likely pathogenic. Last evaluated: 2022-08-11. Review status: criteria provided, single submitter. Criteria: GeneDx Variant Classification Process June 2021. Collection method: clinical testing. Allele origin: germline. Affected: yes.
Comment: Nonsense variant predicted to result in protein truncation as the last 33 amino acids are lost, although loss-of-function variants have not been reported downstream of this position in the protein; This variant is associated with the following publications: (PMID: 21695142, 29625052, 15776428, 15284109)

GeneReviews
No classification provided. Condition: Shwachman-Diamond syndrome 1. Review status: no classification provided. Collection method: literature only. Allele origin: germline. Not counted in ClinVar's aggregate classification.